The following is an entry in ClinVar:

NM_000384.3(APOB):c.10582T>C (p.Ser3528Pro)

Gene: APOB (apolipoprotein B; minus strand). Cytogenetic location: 2p24.1.
Variant type: single nucleotide variant.
Coding change: c.10582T>C on transcript NM_000384.3 (MANE Select); coding-DNA position 10582, T replaced by C.
Protein change: p.Ser3528Pro; replaces serine 3528 with proline.
Molecular consequence: missense variant.
Genome position (GRCh38, 1-based): chr2:21,006,286, A>G on the plus strand (T>C on the coding strand, the complement: APOB is on the minus strand). VCF-style: chr2-21006286-A-G. GRCh37 (hg19) VCF-style: chr2-21229158-A-G.
Other names: short protein forms S3528P.
Identifiers: ClinVar variation 3073733 (VCV003073733.1), dbSNP rs761101552, ClinGen allele CA345986084.

ClinVar aggregate classification (germline): Uncertain significance (1 of 4 stars; one submission).

Conditions:
Hypercholesterolemia, autosomal dominant, type B (FHCL2). Also called: Familial hypercholesterolemia 2; APOB-Related Familial Hypercholesterolemia, Autosomal Dominant; APOLIPOPROTEIN B-100, FAMILIAL DEFECTIVE; APOLIPOPROTEIN B-100, FAMILIAL LIGAND-DEFECTIVE; HYPERCHOLESTEROLEMIA, FAMILIAL, DUE TO LIGAND-DEFECTIVE APOLIPOPROTEIN B; Hyperlipoproteinemia Type IIb. Identifiers: MedGen C1704417, MONDO:0007751, OMIM 144010.

Submission:

All of Us Research Program, National Institutes of Health
Classification: Uncertain significance for Hypercholesterolemia, autosomal dominant, type B. Last evaluated: 2023-10-06. Review status: criteria provided, single submitter. Criteria: ACMG Guidelines, 2015. Collection method: clinical testing. Allele origin: germline. Inheritance: Autosomal dominant inheritance. Observed: 1 variant allele, 1 heterozygote.
Comment: This missense variant (also known as p.Ser3501Pro in the mature protein) replaces serine with proline at codon 3528 of the APOB protein. Computational prediction is inconclusive regarding the impact of this variant on protein structure and function (internally defined REVEL score threshold 0.5 < inconclusive < 0.7, PMID: 27666373). To our knowledge, functional studies have not been reported for this variant. This variant has not been reported in individuals affected with APOB-related disorders in the literature. This variant has not been identified in the general population by the Genome Aggregation Database (gnomAD). The available evidence is insufficient to determine the role of this variant in disease conclusively. Therefore, this variant is classified as a Variant of Uncertain Significance.

This study involves interpretation of variants in research participants for the purpose of population health screening. Participant phenotype was not available at the time of variant classification. Additional details can be found in publication PMID: 35346344, PMCID: PMC8962531